The following is an entry in ClinVar:

NM_014363.6(SACS):c.10948T>C (p.Leu3650=)

Gene: SACS (sacsin molecular chaperone; minus strand). Cytogenetic location: 13q12.12.
Variant type: single nucleotide variant.
Coding change: c.10948T>C on transcript NM_014363.6 (MANE Select); coding-DNA position 10948, T replaced by C.
Protein change: p.Leu3650=; no amino-acid change (leucine 3650 retained).
Molecular consequence: synonymous variant.
Genome position (GRCh38, 1-based): chr13:23,332,928, A>G on the plus strand (T>C on the coding strand, the complement: SACS is on the minus strand). VCF-style: chr13-23332928-A-G. GRCh37 (hg19) VCF-style: chr13-23907067-A-G.
Other names: c.10948T>C (NM_014363.5); c.10507T>C, p.Leu3503= (NM_001278055.2).
Identifiers: ClinVar variation 1128801 (VCV001128801.10), dbSNP rs1185242012, ClinGen allele CA483159506.
Genomic context (GRCh38, chr13:23,332,928, plus strand): 5'-ATTGAGGATGAAATCTAATGAATTCCGCGGGGGCCCGCTCAGGACATAAGAATGGTATTA[A>G]AGATAGTTCTTTCAGAAAATTTCCAGATAACAAATCCATTCGTTCTTGGAATATATGATG-3'
Protein context (NP_055178.3, residues 3640-3660): LSGNFLKELS[Leu3650=]IPFLCPERAP

ClinVar aggregate classification (germline): Likely benign. Review status: criteria provided, multiple submitters, no conflicts (2 of 4 stars). 2 submissions from 2 submitters: Likely benign (2). Last evaluated 2026-05-14.

Conditions:
Spastic paraplegia. Identifiers: MedGen C0037772, HP:0001258.
SACS-related disorder. Also called: SACS-related condition.

Allele frequency attached by ClinVar (database versions not stated): gnomAD 0.00001; gnomAD exomes 0.00001; TOPMed 0.00001.
gnomAD v4.1: 4 of 1,613,812 alleles (0.00025%); highest among the groups gnomAD compares: Non-Finnish European, 0.00034%; no homozygotes.

Submissions (2):

PreventionGenetics, part of Exact Sciences
Classification: Likely benign for SACS-related condition. Last evaluated: 2026-05-14. Review status: criteria provided, single submitter. Criteria: ACMG Guidelines, 2015. Collection method: clinical testing. Allele origin: germline.
Comment: This variant is classified as likely benign based on ACMG/AMP sequence variant interpretation guidelines (Richards et al. 2015 PMID: 25741868, with internal and published modifications).

Labcorp Genetics (formerly Invitae), Labcorp
Classification: Likely benign for Spastic paraplegia. Last evaluated: 2022-02-09. Review status: criteria provided, single submitter. Criteria: Invitae Variant Classification Sherloc (09022015). Collection method: clinical testing. Allele origin: germline.